The following is an entry in ClinVar:

ClinVar aggregate classification (germline): Uncertain significance (1 of 4 stars; one submission).

Allele frequency attached by ClinVar (database versions not stated): gnomAD exomes below 0.00001 and 0.00001; gnomAD 0.00005; TOPMed 0.00005; ExAC 0.00006; ESP Exome Variant Server 0.00017.
gnomAD v4.1: 12 of 1,549,932 alleles (0.00077%); highest among the groups gnomAD compares: African/African-American, 0.015%; no homozygotes.

Submission:

Labcorp Genetics (formerly Invitae), Labcorp
Classification: Uncertain significance. Last evaluated: 2021-09-17. Review status: criteria provided, single submitter. Criteria: Invitae Variant Classification Sherloc (09022015). Collection method: clinical testing. Allele origin: germline.
Comment: This sequence change replaces tryptophan with arginine at codon 325 of the PEPD protein (p.Trp325Arg). The tryptophan residue is weakly conserved and there is a moderate physicochemical difference between tryptophan and arginine. This variant is present in population databases (rs371556469, ExAC 0.06%). This variant has not been reported in the literature in individuals affected with PEPD-related conditions. Algorithms developed to predict the effect of missense changes on protein structure and function (SIFT, PolyPhen-2, Align-GVGD) all suggest that this variant is likely to be tolerated. In summary, the available evidence is currently insufficient to determine the role of this variant in disease. Therefore, it has been classified as a Variant of Uncertain Significance.

NM_000285.4(PEPD):c.973T>C (p.Trp325Arg)

Gene: PEPD (peptidase D; minus strand). Cytogenetic location: 19q13.11.
Variant type: single nucleotide variant.
Coding change: c.973T>C on transcript NM_000285.4 (MANE Select); coding-DNA position 973, T replaced by C.
Protein change: p.Trp325Arg; replaces tryptophan 325 with arginine.
Molecular consequence: missense variant.
Genome position (GRCh38, 1-based): chr19:33,391,474, A>G on the plus strand (T>C on the coding strand, the complement: PEPD is on the minus strand). VCF-style: chr19-33391474-A-G. GRCh37 (hg19) VCF-style: chr19-33882380-A-G.
Other names: c.850T>C, p.Trp284Arg (NM_001166056.2); c.781T>C, p.Trp261Arg (NM_001166057.2); short protein forms W325R, W284R, W261R.
Identifiers: ClinVar variation 1391024 (VCV001391024.5), dbSNP rs371556469, ClinGen allele CA9364035.
Genomic context (GRCh38, chr19:33,391,474, plus strand): 5'-CCATGTGGGCCAGCTCCTCCAGGTGGATGCGGTCAGCCAGGCGGTGCATGTCAGGCCACC[A>G]GACACCTGTGGGCCAGAGGGAGCTGCCGTGAGCCACAGAGCCCAGCAGCCAACACCGCAG-3'
Protein context (NP_000276.2, residues 315-335): AVMGAMKPGV[Trp325Arg]WPDMHRLADR